The following is an entry in ClinVar:

ClinVar aggregate classification (germline): Uncertain significance (1 of 4 stars; one submission).

Conditions:
Long QT syndrome (LQTS). Identifiers: MedGen C0023976, MeSH D008133, MONDO:0002442. Disease mechanism: loss of function. Inheritance: Various modes of inheritance.

Submission:

Labcorp Genetics (formerly Invitae), Labcorp
Classification: Uncertain significance for Long QT syndrome. Last evaluated: 2024-10-06. Review status: criteria provided, single submitter. Criteria: Invitae Variant Classification Sherloc (09022015). Collection method: clinical testing. Allele origin: germline.
Comment: This sequence change replaces leucine, which is neutral and non-polar, with proline, which is neutral and non-polar, at codon 3846 of the ANK2 protein (p.Leu3846Pro). This variant is not present in population databases (gnomAD no frequency). This variant has not been reported in the literature in individuals affected with ANK2-related conditions. Invitae Evidence Modeling of protein sequence and biophysical properties (such as structural, functional, and spatial information, amino acid conservation, physicochemical variation, residue mobility, and thermodynamic stability) indicates that this missense variant is not expected to disrupt ANK2 protein function with a negative predictive value of 80%. In summary, the available evidence is currently insufficient to determine the role of this variant in disease. Therefore, it has been classified as a Variant of Uncertain Significance.

NM_001148.6(ANK2):c.11537T>C (p.Leu3846Pro)

Gene: ANK2 (ankyrin 2; plus strand). Cytogenetic location: 4q26.
Variant type: single nucleotide variant.
Coding change: c.11537T>C on transcript NM_001148.6 (MANE Select); coding-DNA position 11537, T replaced by C.
Protein change: p.Leu3846Pro; replaces leucine 3846 with proline.
Molecular consequence: missense variant.
Genome position (GRCh38, 1-based): chr4:113,369,732, T>C. VCF-style: chr4-113369732-T-C. GRCh37 (hg19) VCF-style: chr4-114290888-T-C.
Other names: c.5219T>C, p.Leu1740Pro (NM_001386143.1, NM_001354243.2, NM_001354255.2); c.5327T>C, p.Leu1776Pro (NM_001386144.1, NM_001354240.2, NM_001354241.2); c.5063T>C, p.Leu1688Pro (NM_001386146.1, NM_001386149.1, NM_001386150.1 and 1 more transcripts); c.5108T>C, p.Leu1703Pro (NM_001386147.1); c.5267T>C, p.Leu1756Pro (NM_001386148.2, NM_001386186.2); c.4997T>C, p.Leu1666Pro (NM_001386151.1, NM_001354260.2, NM_001354271.2); c.5339T>C, p.Leu1780Pro (NM_001386152.1); c.5048T>C, p.Leu1683Pro (NM_001386154.1, NM_001354274.2); and 35 more; short protein forms L1633P, L1686P, L1688P, L1740P, L1744P, L1752P, L1773P, L1775P.
Identifiers: ClinVar variation 3730102 (VCV003730102.2).
Genomic context (GRCh38, chr4:113,369,732, plus strand): 5'-TACAAGAACCCGAAGAGCCCTCAGAGCACAGAGAGGAGAGCTCTCCGCGGAAAACCAGCC[T>C]CGTAATAGTGGAGTCTGCCGATAACCAGCCTGAGACCTGTGAAAGACTCGATGAAGATGC-3'
Protein context (NP_001139.3, residues 3836-3856): REESSPRKTS[Leu3846Pro]VIVESADNQP